The following is an entry in ClinVar:

NM_001368894.2(PAX6):c.1121C>T (p.Thr374Ile)

Gene: PAX6 (paired box 6; minus strand). Cytogenetic location: 11p13.
Variant type: single nucleotide variant.
Coding change: c.1121C>T on transcript NM_001368894.2 (MANE Select); coding-DNA position 1121, C replaced by T.
Protein change: p.Thr374Ile; replaces threonine 374 with isoleucine.
Molecular consequence: missense variant. On other transcripts: non-coding transcript variant (1), intron variant (9).
Genome position (GRCh38, 1-based): chr11:31,790,814, G>A on the plus strand (C>T on the coding strand, the complement: PAX6 is on the minus strand). VCF-style: chr11-31790814-G-A. GRCh37 (hg19) VCF-style: chr11-31812362-G-A.
Other names: c.1079C>T, p.Thr360Ile (NM_000280.6, NM_001127612.3, NM_001258464.2 and 6 more transcripts); c.1121C>T, p.Thr374Ile (NM_001258462.3, NM_001258463.2, NM_001310158.2 and 3 more transcripts); c.671C>T, p.Thr224Ile (NM_001310160.2, NM_001310161.3, NM_001368899.2 and 10 more transcripts); c.1322C>T, p.Thr441Ile (NM_001368910.2); c.1196C>T, p.Thr399Ile (NM_001368918.2, NM_001368919.2); c.1154C>T, p.Thr385Ile (NM_001368920.2); c.920C>T, p.Thr307Ile (NM_001368922.2, NM_001368923.2, NM_001368924.2 and 3 more transcripts); c.878C>T, p.Thr293Ile (NM_001368928.2); and 6 more; short protein forms T224I, T293I, T374I, T385I, T441I, T159I, T399I, T307I.
Identifiers: ClinVar variation 1429002 (VCV001429002.8), dbSNP rs1361659182, ClinGen allele CA379967407.

ClinVar aggregate classification (germline): Uncertain significance (1 of 4 stars; one submission).

Conditions:
Irido-corneo-trabecular dysgenesis (ASGD5). Also called: ANTERIOR SEGMENT DYSGENESIS 5. Identifiers: Orphanet 708, MedGen C0344559, MONDO:0011414, OMIM 604229, HP:0000659.
Aniridia 1 (AN1). Identifiers: Orphanet 250923, MedGen C0344542, MONDO:0024507, OMIM 106210.

Allele frequency attached by ClinVar (database versions not stated): gnomAD 0.00001; gnomAD exomes 0.00001; TOPMed 0.00002.
gnomAD v4.1: 8 of 1,614,028 alleles (0.0005%); highest among the groups gnomAD compares: African/African-American, 0.0027%; no homozygotes.

Submission:

Labcorp Genetics (formerly Invitae), Labcorp
Classification: Uncertain significance for Aniridia 1; Irido-corneo-trabecular dysgenesis. Last evaluated: 2024-12-10. Review status: criteria provided, single submitter. Criteria: Invitae Variant Classification Sherloc (09022015). Collection method: clinical testing. Allele origin: germline.
Comment: This sequence change replaces threonine, which is neutral and polar, with isoleucine, which is neutral and non-polar, at codon 360 of the PAX6 protein (p.Thr360Ile). This variant is not present in population databases (gnomAD no frequency). This variant has not been reported in the literature in individuals affected with PAX6-related conditions. ClinVar contains an entry for this variant (Variation ID: 1429002). Invitae Evidence Modeling of protein sequence and biophysical properties (such as structural, functional, and spatial information, amino acid conservation, physicochemical variation, residue mobility, and thermodynamic stability) indicates that this missense variant is not expected to disrupt PAX6 protein function with a negative predictive value of 80%. In summary, the available evidence is currently insufficient to determine the role of this variant in disease. Therefore, it has been classified as a Variant of Uncertain Significance.